The following is an entry in ClinVar:

ClinVar aggregate classification (germline): Pathogenic (1 of 4 stars; one submission).

Submission:

GeneDx
Classification: Pathogenic. Last evaluated: 2018-08-01. Review status: criteria provided, single submitter. Criteria: GeneDx Variant Classification (06012015). Collection method: clinical testing. Allele origin: germline. Affected: yes.
Comment: The c.1037_1038delAG variant in the NFIX gene has not been reported previously as a pathogenic variant nor as a benign variant, to our knowledge. The c.1037_1038delAG variant causes a frameshift starting with codon Glutamine 346, changes this amino acid to an Arginine residue, and creates a premature Stop codon at position 84 of the new reading frame, denoted p.Gln346ArgfsX84. This variant is predicted to cause loss of normal protein function either through protein truncation or nonsense-mediated mRNA decay. The c.1037_1038delAG variant is not observed in large population cohorts (Lek et al., 2016). We interpret c.1037_1038delAG as a pathogenic variant.

NM_001365902.3(NFIX):c.1013_1014del (p.Gln338fs)

Gene: NFIX (nuclear factor I X; plus strand). Cytogenetic location: 19p13.13.
Variant type: Deletion.
Coding change: c.1013_1014del on transcript NM_001365902.3 (MANE Select); coding-DNA positions 1013 to 1014, 2 bases deleted (AG; older notation c.1013_1014delAG).
Protein change: p.Gln338fs; shifts the reading frame from glutamine 338.
Molecular consequence: frameshift variant. On other transcripts: intron variant (1).
Genome position (GRCh38, 1-based): chr19:13,078,670-13,078,671, AG deleted. VCF-style (leftmost placement, unchanged base first): chr19-13078669-CAG-C. GRCh37 (hg19) VCF-style: chr19-13189483-CAG-C.
Other names: c.1037_1038del, p.Gln346fs (NM_001271043.2); c.989_990del, p.Gln330fs (NM_001271044.3, NM_001378404.1); c.872_873del, p.Gln291fs (NM_001365983.2); c.1010_1011del, p.Gln337fs (NM_001365984.2, NM_001365985.2); c.1061_1062del, p.Gln354fs (NM_001378405.1); c.1013_1014del, p.Gln338fs (NM_002501.4); c.955+2999_955+3000del (NM_001365982.2); c.1037_1038delAG (NM_001271043.2); short protein forms Q337fs, Q346fs, Q338fs, Q354fs, Q291fs, Q330fs.
Identifiers: ClinVar variation 817163 (VCV000817163.1), dbSNP rs1599855670, ClinGen allele CA915952491.